The following is an entry in ClinVar:

NM_012330.4(KAT6B):c.3671T>C (p.Met1224Thr)

Gene: KAT6B (lysine acetyltransferase 6B; plus strand). Cytogenetic location: 10q22.2.
Variant type: single nucleotide variant.
Coding change: c.3671T>C on transcript NM_012330.4 (MANE Select); coding-DNA position 3671, T replaced by C.
Protein change: p.Met1224Thr; replaces methionine 1224 with threonine.
Molecular consequence: missense variant.
Genome position (GRCh38, 1-based): chr10:75,028,495, T>C. VCF-style: chr10-75028495-T-C. GRCh37 (hg19) VCF-style: chr10-76788253-T-C.
Other names: c.3122T>C, p.Met1041Thr (NM_001256468.2, NM_001370138.1); c.2795T>C, p.Met932Thr (NM_001256469.2, NM_001370139.1, NM_001370140.1 and 2 more transcripts); c.2633T>C, p.Met878Thr (NM_001370132.1); c.1982T>C, p.Met661Thr (NM_001370133.1); c.1586T>C, p.Met529Thr (NM_001370134.1); c.1328T>C, p.Met443Thr (NM_001370135.1); c.3671T>C, p.Met1224Thr (NM_001370136.1, NM_001370137.1); c.2606T>C, p.Met869Thr (NM_001370143.1, NM_001370144.1); and 1 more; short protein forms M529T, M878T, M932T, M1041T, M1224T, M443T, M661T, M869T.
Identifiers: ClinVar variation 1378767 (VCV001378767.7), dbSNP rs367677006, ClinGen allele CA5564880.

ClinVar aggregate classification (germline): Uncertain significance. Review status: criteria provided, multiple submitters, no conflicts (2 of 4 stars). 2 submissions from 2 submitters: Uncertain significance (2). Last evaluated 2025-10-23.

Conditions:
Genitopatellar syndrome (GTPTS). Also called: Genitopatellar syndrome (GPS); ABSENT PATELLAE, SCROTAL HYPOPLASIA, RENAL ANOMALIES, FACIAL DYSMORPHISM, AND MENTAL RETARDATION. Identifiers: Orphanet 85201, MedGen C1853566, MONDO:0011640, OMIM 606170.
Inborn genetic diseases. Identifiers: MedGen C0950123, MeSH D030342.

Allele frequency attached by ClinVar (database versions not stated): ESP Exome Variant Server 0.00008.

Submissions (2):

Ambry Genetics
Classification: Uncertain significance for Inborn genetic diseases. Last evaluated: 2025-10-23. Review status: criteria provided, single submitter. Criteria: Ambry Variant Classification Scheme 2023. Collection method: clinical testing. Allele origin: germline.

Labcorp Genetics (formerly Invitae), Labcorp
Classification: Uncertain significance for Genitopatellar syndrome. Last evaluated: 2025-09-26. Review status: criteria provided, single submitter. Criteria: Invitae Variant Classification Sherloc (09022015). Collection method: clinical testing. Allele origin: germline.
Comment: This sequence change replaces methionine, which is neutral and non-polar, with threonine, which is neutral and polar, at codon 1224 of the KAT6B protein (p.Met1224Thr). This variant is present in population databases (rs367677006, gnomAD 0.0009%). This variant has not been reported in the literature in individuals affected with KAT6B-related conditions. ClinVar contains an entry for this variant (Variation ID: 1378767). Invitae Evidence Modeling of protein sequence and biophysical properties (such as structural, functional, and spatial information, amino acid conservation, physicochemical variation, residue mobility, and thermodynamic stability) indicates that this missense variant is not expected to disrupt KAT6B protein function with a negative predictive value of 80%. In summary, the available evidence is currently insufficient to determine the role of this variant in disease. Therefore, it has been classified as a Variant of Uncertain Significance.